The following is an entry in ClinVar:

NM_021930.6(RINT1):c.1375G>A (p.Ala459Thr)

Gene: RINT1 (RAD50 interactor 1; plus strand). Cytogenetic location: 7q22.3.
Variant type: single nucleotide variant.
Coding change: c.1375G>A on transcript NM_021930.6 (MANE Select); coding-DNA position 1375, G replaced by A.
Protein change: p.Ala459Thr; replaces alanine 459 with threonine.
Molecular consequence: missense variant. On other transcripts: non-coding transcript variant (1).
Genome position (GRCh38, 1-based): chr7:105,551,611, G>A. VCF-style: chr7-105551611-G-A. GRCh37 (hg19) VCF-style: chr7-105192058-G-A.
Other names: c.1141G>A, p.Ala381Thr (NM_001346599.2); c.352G>A, p.Ala118Thr (NM_001346600.2, NM_001346603.2); c.451G>A, p.Ala151Thr (NM_001346601.2); short protein forms A151T, A459T, A118T, A381T.
Identifiers: ClinVar variation 1381994 (VCV001381994.11), dbSNP rs369613549, ClinGen allele CA4426667.

ClinVar aggregate classification (germline): Uncertain significance. Review status: criteria provided, multiple submitters, no conflicts (2 of 4 stars). 2 submissions from 2 submitters: Uncertain significance (2). Last evaluated 2024-05-08.

Allele frequency attached by ClinVar (database versions not stated): gnomAD exomes below 0.00001; ExAC 0.00001; gnomAD 0.00001; TOPMed 0.00001; ESP Exome Variant Server 0.00008.
gnomAD v4.1: 3 of 1,609,894 alleles (0.00019%); highest among the groups gnomAD compares: Non-Finnish European, 0.00025%; no homozygotes.

Submissions (2):

Ambry Genetics
Classification: Uncertain significance. Last evaluated: 2024-05-08. Review status: criteria provided, single submitter. Criteria: Ambry Variant Classification Scheme 2023. Collection method: clinical testing. Allele origin: germline.
Comment: The p.A459T variant (also known as c.1375G>A), located in coding exon 10 of the RINT1 gene, results from a G to A substitution at nucleotide position 1375. The alanine at codon 459 is replaced by threonine, an amino acid with similar properties. This amino acid position is conserved. In addition, the in silico prediction for this alteration is inconclusive. Since supporting evidence is limited at this time, the clinical significance of this alteration remains unclear.

Labcorp Genetics (formerly Invitae), Labcorp
Classification: Uncertain significance. Last evaluated: 2021-06-21. Review status: criteria provided, single submitter. Criteria: Invitae Variant Classification Sherloc (09022015). Collection method: clinical testing. Allele origin: germline.
Comment: Algorithms developed to predict the effect of missense changes on protein structure and function are either unavailable or do not agree on the potential impact of this missense change (SIFT: "Tolerated"; PolyPhen-2: "Probably Damaging"; Align-GVGD: "Class C0"). In summary, the available evidence is currently insufficient to determine the role of this variant in disease. Therefore, it has been classified as a Variant of Uncertain Significance. This variant has not been reported in the literature in individuals with RINT1-related conditions. This variant is present in population databases (rs369613549, ExAC 0.002%). This sequence change replaces alanine with threonine at codon 459 of the RINT1 protein (p.Ala459Thr). The alanine residue is moderately conserved and there is a small physicochemical difference between alanine and threonine.